The following is an entry in ClinVar:

NM_002691.4(POLD1):c.2821-4G>T

Gene: POLD1 (DNA polymerase delta 1, catalytic subunit; plus strand). Cytogenetic location: 19q13.33.
Variant type: single nucleotide variant.
Coding change: c.2821-4G>T on transcript NM_002691.4 (MANE Select); 4 bases into the intron before coding-DNA position 2821, G replaced by T.
Molecular consequence: intron variant.
Genome position (GRCh38, 1-based): chr19:50,416,392, G>T. VCF-style: chr19-50416392-G-T. GRCh37 (hg19) VCF-style: chr19-50919649-G-T.
Other names: c.2821-4G>T (NM_001256849.1, LRG_785t1, NM_002691.2); c.2899-4G>T (NM_001308632.1, LRG_785t2).
Identifiers: ClinVar variation 515353 (VCV000515353.11), dbSNP rs369042179, ClinGen allele CA658799273.

ClinVar aggregate classification (germline): Likely benign. Review status: criteria provided, multiple submitters, no conflicts (2 of 4 stars). 3 submissions from 3 submitters: Likely benign (3). Last evaluated 2025-01-21.

Conditions:
POLD1-related polyposis and colorectal cancer syndrome (CRCS10). Also called: Colorectal cancer 10; COLORECTAL CANCER, SUSCEPTIBILITY TO, ON CHROMOSOME 19q; Colorectal cancer, susceptibility to, 10. Identifiers: Orphanet 220460, MedGen C2675481, MONDO:0012953, OMIM 612591.
Hereditary cancer-predisposing syndrome. Also called: Tumor predisposition; Hereditary Cancer Syndrome; Hereditary neoplastic syndrome; Neoplastic Syndromes, Hereditary. Identifiers: Orphanet 140162, MedGen C0027672, MeSH D009386, MONDO:0015356.

Submissions (3):

Ambry Genetics
Classification: Likely benign for Hereditary cancer-predisposing syndrome. Last evaluated: 2025-01-21. Review status: criteria provided, single submitter. Criteria: Ambry Variant Classification Scheme 2023. Collection method: clinical testing. Allele origin: germline.

Labcorp Genetics (formerly Invitae), Labcorp
Classification: Likely benign for POLD1-related polyposis and colorectal cancer syndrome. Last evaluated: 2024-01-14. Review status: criteria provided, single submitter. Criteria: Invitae Variant Classification Sherloc (09022015). Collection method: clinical testing. Allele origin: germline.

GeneDx
Classification: Likely benign. Last evaluated: 2018-02-05. Review status: criteria provided, single submitter. Criteria: GeneDx Variant Classification (06012015). Collection method: clinical testing. Allele origin: germline. Affected: yes.
Comment: This variant is considered likely benign or benign based on one or more of the following criteria: it is a conservative change, it occurs at a poorly conserved position in the protein, it is predicted to be benign by multiple in silico algorithms, and/or has population frequency not consistent with disease.